The following is an entry in ClinVar:

ClinVar aggregate classification (germline): Pathogenic (3 of 4 stars; one submission).

Conditions:
Breast-ovarian cancer, familial, susceptibility to, 2 (BROVCA2). Also called: BRCA2 Hereditary Breast and Ovarian Cancer. Identifiers: Orphanet 145, MedGen C2675520, MONDO:0012933, OMIM 612555. Disease mechanism: loss of function.

Submission:

Evidence-based Network for the Interpretation of Germline Mutant Alleles (ENIGMA)
Classification: Pathogenic for Breast-ovarian cancer, familial, susceptibility to, 2. Last evaluated: 2016-10-18. Review status: reviewed by expert panel. Criteria: ENIGMA BRCA1/2 Classification Criteria (2015). Collection method: curation. Allele origin: germline.
Comment: Variant allele predicted to encode a truncated non-functional protein.

NM_000059.4(BRCA2):c.7220_7223dup (p.Pro2409fs)

Gene: BRCA2 (BRCA2 DNA repair associated; plus strand). Cytogenetic location: 13q13.1.
Variant type: Duplication.
Coding change: c.7220_7223dup on transcript NM_000059.4 (MANE Select); coding-DNA positions 7220 to 7223, 4 bases duplicated (TTCC; older notation c.7220_7223dupTTCC).
Protein change: p.Pro2409fs; shifts the reading frame from proline 2409.
Molecular consequence: frameshift variant.
Genome position (GRCh38, 1-based): chr13:32,355,073-32,355,076, TTCC duplicated. VCF-style (leftmost placement, unchanged base first): chr13-32355072-G-GTTCC. GRCh37 (hg19) VCF-style: chr13-32929209-G-GTTCC.
Other names: 7447insTTCC; short protein forms P2409fs.
Identifiers: ClinVar variation 266994 (VCV000266994.5), dbSNP rs886040693, ClinGen allele CA10589419.
Genomic context (GRCh38, chr13:32,355,072, plus strand): 5'-GCTACAAGAAATGAAAAAATGAGACACTTGATTACTACAGGCAGACCAACCAAAGTCTTT[G>GTTCC]TTCCACCTTTTAAAACTAAATCACATTTTCACAGAGTTGAACAGTGTGTTAGGAATATTA-3'